The following is an entry in ClinVar:

ClinVar aggregate classification (germline): Uncertain significance. Review status: criteria provided, multiple submitters, no conflicts (2 of 4 stars). 3 submissions from 3 submitters: Uncertain significance (3). Last evaluated 2024-10-16.

Conditions:
Spinocerebellar ataxia 49 (SCA49). Identifiers: Orphanet 631106, MedGen C5676950, MONDO:0030805, OMIM 619806.
Monosomy 7 myelodysplasia and leukemia syndrome 1. Also called: Familial Mosaic Monosomy 7 Syndrome; Monosomy 7 of bone marrow; CHROMOSOME 7q DELETION. Identifiers: MedGen C1854978, MONDO:0009646, OMIM 252270.
Ataxia-pancytopenia syndrome (ATXPC). Also called: SAMD9L Ataxia-Pancytopenia Syndrome; SAMD9L-Related Syndrome. Identifiers: Orphanet 2585, MedGen C1327919, MONDO:0008038, OMIM 159550.

Allele frequency attached by ClinVar (database versions not stated): gnomAD exomes 0.00001; TOPMed 0.00002; ExAC 0.00003; gnomAD 0.00003.
gnomAD v4.1: 25 of 1,613,674 alleles (0.0015%); highest among the groups gnomAD compares: Admixed American, 0.0033%; no homozygotes.

Submissions (3):

Labcorp Genetics (formerly Invitae), Labcorp
Classification: Uncertain significance. Last evaluated: 2024-10-16. Review status: criteria provided, single submitter. Criteria: Invitae Variant Classification Sherloc (09022015). Collection method: clinical testing. Allele origin: germline.
Comment: This sequence change replaces lysine, which is basic and polar, with glutamic acid, which is acidic and polar, at codon 1514 of the SAMD9L protein (p.Lys1514Glu). This variant is present in population databases (rs773710761, gnomAD 0.006%). This variant has not been reported in the literature in individuals affected with SAMD9L-related conditions. ClinVar contains an entry for this variant (Variation ID: 2136077). Invitae Evidence Modeling of protein sequence and biophysical properties (such as structural, functional, and spatial information, amino acid conservation, physicochemical variation, residue mobility, and thermodynamic stability) indicates that this missense variant is not expected to disrupt SAMD9L protein function with a negative predictive value of 80%. In summary, the available evidence is currently insufficient to determine the role of this variant in disease. Therefore, it has been classified as a Variant of Uncertain Significance.

GeneDx
Classification: Uncertain significance. Last evaluated: 2024-09-04. Review status: criteria provided, single submitter. Criteria: GeneDx Variant Classification Process June 2021. Collection method: clinical testing. Allele origin: germline. Affected: yes.
Comment: In silico analysis supports that this missense variant does not alter protein structure/function; Has not been previously published as pathogenic or benign to our knowledge; This variant is associated with the following publications: (PMID: 28545555)

Fulgent Genetics
Classification: Uncertain significance for Ataxia-pancytopenia syndrome; Monosomy 7 myelodysplasia and leukemia syndrome 1; Spinocerebellar ataxia 49. Last evaluated: 2024-06-13. Review status: criteria provided, single submitter. Criteria: ACMG Guidelines, 2015. Collection method: clinical testing. Allele origin: germline.

NM_152703.5(SAMD9L):c.4540A>G (p.Lys1514Glu)

Gene: SAMD9L (sterile alpha motif domain containing 9 like; minus strand). Cytogenetic location: 7q21.2.
Variant type: single nucleotide variant.
Coding change: c.4540A>G on transcript NM_152703.5 (MANE Select); coding-DNA position 4540, A replaced by G.
Protein change: p.Lys1514Glu; replaces lysine 1514 with glutamic acid.
Molecular consequence: missense variant.
Genome position (GRCh38, 1-based): chr7:93,131,432, T>C on the plus strand (A>G on the coding strand, the complement: SAMD9L is on the minus strand). VCF-style: chr7-93131432-T-C. GRCh37 (hg19) VCF-style: chr7-92760745-T-C.
Other names: c.4540A>G, p.Lys1514Glu (NM_001303496.3, NM_001303497.3, NM_001303498.3 and 5 more transcripts); c.4540A>G (NM_152703.3); short protein forms K1514E.
Identifiers: ClinVar variation 2136077 (VCV002136077.8), dbSNP rs773710761, ClinGen allele CA4343286.